The following is an entry in ClinVar:

NM_153026.3(PRICKLE1):c.2316G>A (p.Ser772=)

Gene: PRICKLE1 (prickle planar cell polarity protein 1; minus strand). Cytogenetic location: 12q12.
Variant type: single nucleotide variant.
Coding change: c.2316G>A on transcript NM_153026.3 (MANE Select); coding-DNA position 2316, G replaced by A.
Protein change: p.Ser772=; no amino-acid change (serine 772 retained).
Molecular consequence: synonymous variant.
Genome position (GRCh38, 1-based): chr12:42,459,989, C>T on the plus strand (G>A on the coding strand, the complement: PRICKLE1 is on the minus strand). VCF-style: chr12-42459989-C-T. GRCh37 (hg19) VCF-style: chr12-42853791-C-T.
Other names: c.2316G>A, p.Ser772= (NM_001144881.2, NM_001144882.2, NM_001144883.2).
Identifiers: ClinVar variation 241996 (VCV000241996.14), dbSNP rs143240342, ClinGen allele CA6519618.

ClinVar aggregate classification (germline): Likely benign. Review status: criteria provided, multiple submitters, no conflicts (2 of 4 stars). 3 submissions from 3 submitters: Likely benign (2). 1 of the submissions does not count toward it. Last evaluated 2025-10-15.

Conditions:
PRICKLE1-related disorder. Also called: PRICKLE1-Related Disorders; PRICKLE1-related condition. Identifiers: MedGen CN381536.
Epilepsy, progressive myoclonic, 1B. Also called: PME. Identifiers: Orphanet 308, MedGen C2676254, MONDO:0012904, OMIM 612437.

Allele frequency attached by ClinVar (database versions not stated): gnomAD exomes 0.00001 and 0.00003; ExAC 0.00002; gnomAD 0.00009; TOPMed 0.00011; ESP Exome Variant Server 0.00023.
gnomAD v4.1: 25 of 1,613,946 alleles (0.0015%); highest among the groups gnomAD compares: African/African-American, 0.021%; no homozygotes.

Submissions (3):

Labcorp Genetics (formerly Invitae), Labcorp
Classification: Likely benign for Epilepsy, progressive myoclonic, 1B. Last evaluated: 2025-10-15. Review status: criteria provided, single submitter. Criteria: Invitae Variant Classification Sherloc (09022015). Collection method: clinical testing. Allele origin: germline.

Ambry Genetics
Classification: Likely benign. Last evaluated: 2019-06-03. Review status: criteria provided, single submitter. Criteria: Ambry Variant Classification Scheme 2023. Collection method: clinical testing. Allele origin: germline.

PreventionGenetics, part of Exact Sciences
Classification: Likely benign for PRICKLE1-related condition. Last evaluated: 2024-03-06. Review status: no assertion criteria provided. Collection method: clinical testing. Allele origin: germline. Not counted in ClinVar's aggregate classification.
Comment: This variant is classified as likely benign based on ACMG/AMP sequence variant interpretation guidelines (Richards et al. 2015 PMID: 25741868, with internal and published modifications).